The following is an entry in ClinVar:

NM_000032.5(ALAS2):c.1742A>G (p.Gln581Arg)

Gene: ALAS2 (5'-aminolevulinate synthase 2; minus strand). Cytogenetic location: Xp11.21.
Variant type: single nucleotide variant.
Coding change: c.1742A>G on transcript NM_000032.5 (MANE Select); coding-DNA position 1742, A replaced by G.
Protein change: p.Gln581Arg; replaces glutamine 581 with arginine.
Molecular consequence: missense variant.
Genome position (GRCh38, 1-based): chrX:55,009,202, T>C on the plus strand (A>G on the coding strand, the complement: ALAS2 is on the minus strand). VCF-style: chrX-55009202-T-C. GRCh37 (hg19) VCF-style: chrX-55035635-T-C.
Other names: c.1631A>G, p.Gln544Arg (NM_001037967.4); c.1703A>G, p.Gln568Arg (NM_001037968.4); short protein forms Q568R, Q581R, Q544R.
Identifiers: ClinVar variation 1351081 (VCV001351081.8), dbSNP rs2146711671, ClinGen allele CA413290114.
Genomic context (GRCh38, chrX:55,009,202, plus strand): 5'-AAGCGCAGGTGGGGTGTGAATCCTAGGCAGCTGGCTTCTCAGGCATAGGTGGTGACATAC[T>C]GGGGCCCCATGTTCCCGAAGTAGGAACGTTCCCACTCACTCATGAGCTCAAAGTGTACAG-3'
Protein context (NP_000023.2, residues 571-587): ERSYFGNMGP[Gln581Arg]YVTTYA

ClinVar aggregate classification (germline): Uncertain significance (1 of 4 stars; one submission).

Submission:

Labcorp Genetics (formerly Invitae), Labcorp
Classification: Uncertain significance. Last evaluated: 2023-08-10. Review status: criteria provided, single submitter. Criteria: Invitae Variant Classification Sherloc (09022015). Collection method: clinical testing. Allele origin: germline.
Comment: This sequence change replaces glutamine, which is neutral and polar, with arginine, which is basic and polar, at codon 581 of the ALAS2 protein (p.Gln581Arg). This variant is not present in population databases (gnomAD no frequency). This variant has not been reported in the literature in individuals affected with ALAS2-related conditions. ClinVar contains an entry for this variant (Variation ID: 1351081). Advanced modeling of protein sequence and biophysical properties (such as structural, functional, and spatial information, amino acid conservation, physicochemical variation, residue mobility, and thermodynamic stability) has been performed at Invitae for this missense variant, however the output from this modeling did not meet the statistical confidence thresholds required to predict the impact of this variant on ALAS2 protein function. In summary, the available evidence is currently insufficient to determine the role of this variant in disease. Therefore, it has been classified as a Variant of Uncertain Significance.